The following is an entry in ClinVar:

NM_001256715.2(DNAAF3):c.1036C>T (p.Pro346Ser)

Genes: DNAAF3 (dynein axonemal assembly factor 3; minus strand), DNAAF3-AS1 (DNAAF3 antisense RNA 1; plus strand), LOC130065090 (ATAC-STARR-seq lymphoblastoid silent region 11016; plus strand). Cytogenetic location: 19q13.42.
Variant type: single nucleotide variant.
Coding change: c.1036C>T on transcript NM_001256715.2 (MANE Select); coding-DNA position 1036, C replaced by T.
Protein change: p.Pro346Ser; replaces proline 346 with serine.
Molecular consequence: missense variant.
Genome position (GRCh38, 1-based): chr19:55,160,652, G>A on the plus strand (C>T on the coding strand, the complement: DNAAF3 is on the minus strand). VCF-style: chr19-55160652-G-A. GRCh37 (hg19) VCF-style: chr19-55672020-G-A.
Other names: c.1240C>T, p.Pro414Ser (NM_001256714.1); c.874C>T, p.Pro292Ser (NM_001256716.2); c.1177C>T, p.Pro393Ser (NM_178837.4); short protein forms P393S, P292S, P346S, P414S.
Identifiers: ClinVar variation 1924992 (VCV001924992.7), dbSNP rs764321844, ClinGen allele CA407450594.

ClinVar aggregate classification (germline): Uncertain significance. Review status: criteria provided, multiple submitters, no conflicts (2 of 4 stars). 3 submissions from 3 submitters: Uncertain significance (3). Last evaluated 2025-03-03.

Conditions:
Primary ciliary dyskinesia. Also called: Ciliary dyskinesia. Identifiers: Orphanet 244, MedGen C0008780, MONDO:0016575, HP:0012265.

Allele frequency attached by ClinVar (database versions not stated): TOPMed 0.00001.
gnomAD v4.1: 22 of 1,613,878 alleles (0.0014%); highest among the groups gnomAD compares: Non-Finnish European, 0.0018%; no homozygotes.

Submissions (3):

Ambry Genetics
Classification: Uncertain significance for Primary ciliary dyskinesia. Last evaluated: 2025-03-03. Review status: criteria provided, single submitter. Criteria: Ambry Variant Classification Scheme 2023. Collection method: clinical testing. Allele origin: germline.
Comment: The p.P414S variant (also known as c.1240C>T), located in coding exon 9 of the DNAAF3 gene, results from a C to T substitution at nucleotide position 1240. The proline at codon 414 is replaced by serine, an amino acid with similar properties. This amino acid position is conserved. In addition, this alteration is predicted to be tolerated by in silico analysis. Based on the available evidence, the clinical significance of this variant remains unclear.

GeneDx
Classification: Uncertain significance. Last evaluated: 2024-11-05. Review status: criteria provided, single submitter. Criteria: GeneDx Variant Classification Process June 2021. Collection method: clinical testing. Allele origin: germline. Affected: yes.
Comment: Not observed at significant frequency in large population cohorts (gnomAD); In silico analysis indicates that this missense variant does not alter protein structure/function; Has not been previously published as pathogenic or benign to our knowledge

Labcorp Genetics (formerly Invitae), Labcorp
Classification: Uncertain significance for Primary ciliary dyskinesia. Last evaluated: 2022-05-15. Review status: criteria provided, single submitter. Criteria: Invitae Variant Classification Sherloc (09022015). Collection method: clinical testing. Allele origin: germline.
Comment: In summary, the available evidence is currently insufficient to determine the role of this variant in disease. Therefore, it has been classified as a Variant of Uncertain Significance. Algorithms developed to predict the effect of missense changes on protein structure and function output the following: SIFT: "Tolerated"; PolyPhen-2: "Benign"; Align-GVGD: "Class C0". The serine amino acid residue is found in multiple mammalian species, which suggests that this missense change does not adversely affect protein function. This variant has not been reported in the literature in individuals affected with DNAAF3-related conditions. This variant is present in population databases (no rsID available, gnomAD 0.0009%). This sequence change replaces proline, which is neutral and non-polar, with serine, which is neutral and polar, at codon 414 of the DNAAF3 protein (p.Pro414Ser).